The following is an entry in ClinVar:

NM_001172560.3(SSTR5):c.718C>T (p.Arg240Trp)

Gene: SSTR5 (somatostatin receptor 5; plus strand). Cytogenetic location: 16p13.3.
Variant type: single nucleotide variant.
Coding change: c.718C>T on transcript NM_001172560.3 (MANE Select); coding-DNA position 718, C replaced by T.
Protein change: p.Arg240Trp; replaces arginine 240 with tryptophan.
Molecular consequence: missense variant.
Genome position (GRCh38, 1-based): chr16:1,079,586, C>T. VCF-style: chr16-1079586-C-T. GRCh37 (hg19) VCF-style: chr16-1129586-C-T.
Other names: c.718C>T, p.Arg240Trp (NM_001053.4); short protein forms R240W.
Identifiers: ClinVar variation 12874 (VCV000012874.21), dbSNP rs121917877, ClinGen allele CA122765.
Genomic context (GRCh38, chr16:1,079,586, plus strand): 5'-TGCTACCTGCTCATCGTGGTGAAGGTGAGGGCGGCGGGCGTGCGCGTGGGCTGCGTGCGG[C>T]GGCGCTCGGAGCGGAAGGTGACGCGCATGGTGTTGGTGGTGGTGCTGGTGTTTGCGGGAT-3'
Protein context (NP_001166031.1, residues 230-250): AAGVRVGCVR[Arg240Trp]RSERKVTRMV

ClinVar aggregate classification (germline): Benign/Likely benign. Review status: criteria provided, multiple submitters, no conflicts (2 of 4 stars). 3 submissions from 3 submitters: Benign (1); Likely benign (1). 1 of the submissions does not count toward it. Last evaluated 2024-07-01.

Allele frequency attached by ClinVar (database versions not stated): 1000 Genomes Project 30x 0.00125; gnomAD 0.00125 and 0.00128; gnomAD exomes 0.00133 and 0.00156; TOPMed 0.00140; 1000 Genomes Project 0.00160; ExAC 0.00166.

Submissions (3):

CeGaT Center for Human Genetics Tuebingen
Classification: Likely benign. Last evaluated: 2024-07-01. Review status: criteria provided, single submitter. Criteria: CeGaT Center For Human Genetics Tuebingen Variant Classification Criteria Version 2. Collection method: clinical testing. Allele origin: germline. Affected: yes. Observed: 1 variant allele.
Comment: SSTR5: BS2

Breakthrough Genomics
Classification: Benign. Review status: criteria provided, single submitter. Criteria: ACMG Guidelines, 2015. Collection method: not provided. Allele origin: germline. Inheritance: Unknown mechanism. Affected: yes.

OMIM
Classification: Benign for RECLASSIFIED - SSTR5 POLYMORPHISM. Last evaluated: 2001-08-01. Review status: no assertion criteria provided. Collection method: literature only. Allele origin: germline. Not counted in ClinVar's aggregate classification.

Literature cited by the submitters: Hamosh, A. Personal Communication. 2020. Baltimore, Md. (cited by OMIM); PubMed 11502816 (cited by OMIM).